The following is an entry in ClinVar:

NM_178425.4(HDAC9):c.1910-2A>G

Gene: HDAC9 (histone deacetylase 9; plus strand). Cytogenetic location: 7p21.1.
Variant type: single nucleotide variant.
Coding change: c.1910-2A>G on transcript NM_178425.4 (MANE Select); the canonical splice acceptor site of the intron before coding-DNA position 1910, A replaced by G.
Molecular consequence: splice acceptor variant.
Genome position (GRCh38, 1-based): chr7:18,749,003, A>G. VCF-style: chr7-18749003-A-G. GRCh37 (hg19) VCF-style: chr7-18788626-A-G.
Other names: c.1835-2A>G (NM_001321868.2); c.1778-2A>G (NM_001321877.2, NM_001321897.2); c.1901-2A>G (NM_178423.3, NM_058176.2).
Identifiers: ClinVar variation 1703177 (VCV001703177.3), dbSNP rs2483951165, ClinGen allele CA367012253.

ClinVar aggregate classification (germline): Uncertain significance (1 of 4 stars; one submission).

Submission:

Greenwood Genetic Center Diagnostic Laboratories, Greenwood Genetic Center
Classification: Uncertain significance. Last evaluated: 2022-04-05. Review status: criteria provided, single submitter. Criteria: ACMG Guidelines, 2015. Collection method: clinical testing. Allele origin: germline. Affected: yes.
Comment: Gene of Uncertain Significance